The following is an entry in ClinVar:

ClinVar aggregate classification (germline): Conflicting classifications of pathogenicity. Review status: criteria provided, conflicting classifications (1 of 4 stars). 7 submissions from 7 submitters: Uncertain significance (1); Benign (2); Likely benign (4). Last evaluated 2026-01-31.

Conditions:
Inborn genetic diseases. Identifiers: MedGen C0950123, MeSH D030342.
Coffin-Siris syndrome 1 (CSS1). Also called: ARID1B-Related Coffin-Siris Syndrome; Mental retardation, autosomal dominant 12. Identifiers: Orphanet 1465, MedGen C3281201, MONDO:0007617, OMIM 135900. Disease mechanism: gain of function.

Allele frequency attached by ClinVar (database versions not stated): gnomAD exomes 0.00010 and 0.00030; 1000 Genomes Project 30x 0.00125; TOPMed 0.00126; ESP Exome Variant Server 0.00146; ExAC 0.00036; gnomAD 0.00104 and 0.00106; 1000 Genomes Project 0.00120.
gnomAD v4.1: 325 of 1,611,746 alleles (0.02%); highest among the groups gnomAD compares: African/African-American, 0.31%; 1 homozygote.

Submissions (7):

Labcorp Genetics (formerly Invitae), Labcorp
Classification: Benign. Last evaluated: 2026-01-31. Review status: criteria provided, single submitter. Criteria: Invitae Variant Classification Sherloc (09022015). Collection method: clinical testing. Allele origin: germline.

CeGaT Center for Human Genetics Tuebingen
Classification: Likely benign. Last evaluated: 2025-01-01. Review status: criteria provided, single submitter. Criteria: CeGaT Center For Human Genetics Tuebingen Variant Classification Criteria Version 2. Collection method: clinical testing. Allele origin: germline. Affected: yes. Observed: 2 variant alleles.
Comment: ARID1B: BP4, BP7

Blueprint Genetics
Classification: Likely benign. Last evaluated: 2023-03-06. Review status: criteria provided, single submitter. Criteria: ACMG Guidelines, 2015. Collection method: clinical testing. Allele origin: germline.

Genome-Nilou Lab
Classification: Likely benign for Coffin-Siris syndrome 1. Last evaluated: 2021-07-15. Review status: criteria provided, single submitter. Criteria: ACMG Guidelines, 2015. Collection method: clinical testing. Allele origin: germline. Affected: no.

GeneDx
Classification: Benign. Last evaluated: 2020-01-21. Review status: criteria provided, single submitter. Criteria: GeneDx Variant Classification Process June 2021. Collection method: clinical testing. Allele origin: germline. Affected: yes.

Ambry Genetics
Classification: Likely benign for Inborn genetic diseases. Last evaluated: 2016-09-27. Review status: criteria provided, single submitter. Criteria: Ambry Variant Classification Scheme 2023. Collection method: clinical testing. Allele origin: germline.

Genetic Services Laboratory, University of Chicago
Classification: Uncertain significance. Last evaluated: 2015-04-23. Review status: criteria provided, single submitter. Criteria: ACMG Guidelines, 2015. Collection method: clinical testing. Allele origin: germline.

NM_001374828.1(ARID1B):c.3105C>T (p.Pro1035=)

Gene: ARID1B (AT-rich interaction domain 1B; plus strand). Cytogenetic location: 6q25.3.
Variant type: single nucleotide variant.
Coding change: c.3105C>T on transcript NM_001374828.1 (MANE Select); coding-DNA position 3105, C replaced by T.
Protein change: p.Pro1035=; no amino-acid change (proline 1035 retained).
Molecular consequence: synonymous variant.
Genome position (GRCh38, 1-based): chr6:157,167,055, C>T. VCF-style: chr6-157167055-C-T. GRCh37 (hg19) VCF-style: chr6-157488189-C-T.
Other names: c.2895C>T, p.Pro965= (NM_020732.3); c.606C>T, p.Pro202= (NM_001363725.2); c.3144C>T, p.Pro1048= (NM_001371656.1, NM_001374820.1); c.3105C>T, p.Pro1035= (NM_017519.3).
Identifiers: ClinVar variation 210278 (VCV000210278.41), dbSNP rs144894118, ClinGen allele CA209938.